The following is an entry in ClinVar:

NM_000540.3(RYR1):c.3422C>A (p.Pro1141His)

Gene: RYR1 (ryanodine receptor 1; plus strand). Cytogenetic location: 19q13.2.
Variant type: single nucleotide variant.
Coding change: c.3422C>A on transcript NM_000540.3 (MANE Select); coding-DNA position 3422, C replaced by A.
Protein change: p.Pro1141His; replaces proline 1141 with histidine.
Molecular consequence: missense variant.
Genome position (GRCh38, 1-based): chr19:38,469,006, C>A. VCF-style: chr19-38469006-C-A. GRCh37 (hg19) VCF-style: chr19-38959646-C-A.
Other names: c.3422C>A, p.Pro1141His (NM_001042723.2); short protein forms P1141H.
Identifiers: ClinVar variation 3387683 (VCV003387683.1).
Genomic context (GRCh38, chr19:38,469,006, plus strand): 5'-TTCTCTGGCTGTCCTCACAGGGCCAGCGCTGGCACTTGGGCAGTGAACCATTTGGGCGCC[C>A]CTGGCAGCCGGGCGATGTCGTTGGCTGTATGATCGACCTCACAGAGAACACCATTATCTT-3'
Protein context (NP_000531.2, residues 1131-1151): WHLGSEPFGR[Pro1141His]WQPGDVVGCM

ClinVar aggregate classification (germline): Uncertain significance (1 of 4 stars; one submission).

Conditions:
Malignant hyperthermia, susceptibility to, 1 (MHS1). Also called: Anesthesia related hyperthermia; Malignant hyperpyrexia; Fulminating hyperpyrexia; Pharmacogenic myopathy; RYR1-Related Malignant Hyperthermia Susceptibility; Malignant hyperthermia suceptibility 1. Identifiers: Orphanet 423, MedGen C2930980, MONDO:0007783, OMIM 145600.

gnomAD v4.1: 1 of 1,614,160 alleles (0.000062%); highest among the groups gnomAD compares: Non-Finnish European, 0.000085%; no homozygotes.

Submission:

All of Us Research Program, National Institutes of Health
Classification: Uncertain significance for Malignant hyperthermia, susceptibility to, 1. Last evaluated: 2024-03-05. Review status: criteria provided, single submitter. Criteria: ACMG Guidelines, 2015. Collection method: clinical testing. Allele origin: germline. Inheritance: Autosomal dominant inheritance. Observed: 1 variant allele, 1 heterozygote.
Comment: This study involves interpretation of variants in research participants for the purpose of population health screening. Participant phenotype was not available at the time of variant classification. Additional details can be found in publication PMID: 35346344, PMCID: PMC8962531